The following is an entry in ClinVar:

ClinVar aggregate classification (germline): Benign. Review status: criteria provided, multiple submitters, no conflicts (2 of 4 stars). 8 submissions from 8 submitters: Benign (5). 3 of the submissions do not count toward it. Last evaluated 2025-06-04.

Conditions:
Letrozole response. Identifiers: MedGen CN298326.
Aromatase excess syndrome (AEXS). Also called: AROMATASE ACTIVITY, INCREASED; GYNECOMASTIA, HEREDITARY; Familial gynecomastia, due to increased aromatase activity. Identifiers: Orphanet 178345, MedGen C1970109, MONDO:0007690, OMIM 139300.
Aromatase deficiency. Also called: Increased aromatase activity; PSEUDOHERMAPHRODITISM, FEMALE, DUE TO PLACENTAL AROMATASE DEFICIENCY. Identifiers: Orphanet 91, MedGen C1960539, MONDO:0013301, OMIM 613546.

Allele frequency attached by ClinVar (database versions not stated): 1000 Genomes Project 30x 0.36024; 1000 Genomes Project 0.36282; TOPMed 0.41261; gnomAD 0.42629 and 0.42803; ESP Exome Variant Server 0.43289; ExAC 0.44920; gnomAD exomes 0.45121 and 0.48758.

Submissions (8):

Labcorp Genetics (formerly Invitae), Labcorp
Classification: Benign. Last evaluated: 2025-06-04. Review status: criteria provided, single submitter. Criteria: Invitae Variant Classification Sherloc (09022015). Collection method: clinical testing. Allele origin: germline.

Genome-Nilou Lab
Classification: Benign for Aromatase excess syndrome. Last evaluated: 2021-07-01. Review status: criteria provided, single submitter. Criteria: ACMG Guidelines, 2015. Collection method: clinical testing. Allele origin: germline. Affected: no.

Illumina Laboratory Services, Illumina
Classification: Benign for Aromatase deficiency. Last evaluated: 2018-03-06. Review status: criteria provided, single submitter. Criteria: ICSL Variant Classification Criteria 13 December 2019. Collection method: clinical testing. Allele origin: germline.
Comment: This variant was observed in the ICSL laboratory as part of a predisposition screen in an ostensibly healthy population. It had not been previously curated by ICSL or reported in the Human Gene Mutation Database (HGMD: prior to June 1st, 2018), and was therefore a candidate for classification through an automated scoring system. Utilizing variant allele frequency, disease prevalence and penetrance estimates, and inheritance mode, an automated score was calculated to assess if this variant is too frequent to cause the disease. Based on the score and internal cut-off values, a variant classified as benign is not then subjected to further curation. The score for this variant resulted in a classification of benign for this disease.

GeneDx
Classification: Benign. Last evaluated: 2015-03-03. Review status: criteria provided, single submitter. Criteria: GeneDx Variant Classification Process June 2021. Collection method: clinical testing. Allele origin: germline. Affected: yes.
Comment: This variant is associated with the following publications: (PMID: 10713674, 19879925)

Breakthrough Genomics
Classification: Benign. Review status: criteria provided, single submitter. Criteria: ACMG Guidelines, 2015. Collection method: not provided. Allele origin: germline. Inheritance: Unknown mechanism. Affected: yes.

Department of Medical Oncology, IRCCS Ospedale Policlinico San Martino
Classification: drug response for letrozole response. Last evaluated: 2023-05-01. Review status: no assertion criteria provided. Collection method: research. Allele origin: germline. Affected: yes. Observed: 207 variant alleles. Not counted in ClinVar's aggregate classification.
Comment: This variant has been evaluated in 886 european women with hormone receptor-positive, early-stage breast cancer treated with adjuvant hormone therapy with letrozole. The minot T alelle was found to be associated with 1) increased cumulative incidence of distant metastasis, 2) decreased overall survival, 3) descreased cumulative incidence of bone fractures (which is a letrozole-related adverse event)

Diagnostic Laboratory, Department of Genetics, University Medical Center Groningen
Classification: Benign. Review status: no assertion criteria provided. Collection method: clinical testing. Allele origin: germline. Affected: yes. Study: VKGL Data-share Consensus. Not counted in ClinVar's aggregate classification.

Joint Genome Diagnostic Labs from Nijmegen and Maastricht, Radboudumc and MUMC+
Classification: Benign. Review status: no assertion criteria provided. Collection method: clinical testing. Allele origin: germline. Affected: yes. Study: VKGL Data-share Consensus. Not counted in ClinVar's aggregate classification.

NM_000103.4(CYP19A1):c.*19C>T

Genes: MIR4713HG (MIR4713 host gene; plus strand), PIRC66 (piwi-interacting RNA cluster 66; plus strand), CYP19A1 (cytochrome P450 family 19 subfamily A member 1; minus strand). Cytogenetic location: 15q21.2.
Variant type: single nucleotide variant.
Coding change: c.*19C>T on transcript NM_000103.4 (MANE Select); 19 bases downstream of the stop codon, C replaced by T.
Molecular consequence: 3 prime UTR variant.
Genome position (GRCh38, 1-based): chr15:51,210,789, G>A on the plus strand (C>T on the coding strand, the complement: CYP19A1 is on the minus strand). VCF-style: chr15-51210789-G-A. GRCh37 (hg19) VCF-style: chr15-51502986-G-A.
Other names: c.*19C>T (NM_001347248.1, NM_001347249.2, NM_001347250.2 and 7 more transcripts).
Identifiers: ClinVar variation 316469 (VCV000316469.25), dbSNP rs10046, ClinGen allele CA7559758.